The following is an entry in ClinVar:

NM_001042492.3(NF1):c.1731G>T (p.Met577Ile)

Gene: NF1 (neurofibromin 1; plus strand). Cytogenetic location: 17q11.2.
Variant type: single nucleotide variant.
Coding change: c.1731G>T on transcript NM_001042492.3 (MANE Select); coding-DNA position 1731, G replaced by T.
Protein change: p.Met577Ile; replaces methionine 577 with isoleucine.
Molecular consequence: missense variant.
Genome position (GRCh38, 1-based): chr17:31,223,453, G>T. VCF-style: chr17-31223453-G-T. GRCh37 (hg19) VCF-style: chr17-29550471-G-T.
Other names: c.1731G>T, p.Met577Ile (NM_000267.4); short protein forms M577I.
Identifiers: ClinVar variation 5025650 (VCV005025650.1).
Genomic context (GRCh38, chr17:31,223,453, plus strand): 5'-TGCATTAGGTTATTGATGATGCTAGTAACAATGAACTTTATGTTACTGCAGCTCACAAAT[G>T]CTTTTTTACATCTGCAAGAAATTAACTAGTCATCAAATGCTTAGTAGCACAGAAATTCTC-3'
Protein context (NP_001035957.1, residues 567-587): VETFWEISSQ[Met577Ile]LFYICKKLTS

ClinVar aggregate classification (germline): Uncertain significance (1 of 4 stars; one submission).

Conditions:
Cardiovascular phenotype. Identifiers: MedGen CN230736.
Hereditary cancer-predisposing syndrome. Also called: Neoplastic Syndromes, Hereditary; Tumor predisposition; Hereditary neoplastic syndrome; Hereditary Cancer Syndrome. Identifiers: Orphanet 140162, MedGen C0027672, MeSH D009386, MONDO:0015356.

Submission:

Ambry Genetics
Classification: Uncertain significance for Cardiovascular phenotype; Hereditary cancer-predisposing syndrome. Last evaluated: 2026-09-02. Review status: criteria provided, single submitter. Criteria: Ambry Variant Classification Scheme 2023. Collection method: clinical testing. Allele origin: germline.
Comment: The p.M577I variant (also known as c.1731G>T), located in coding exon 16 of the NF1 gene, results from a G to T substitution at nucleotide position 1731. The methionine at codon 577 is replaced by isoleucine, an amino acid with highly similar properties. This amino acid position is conserved. In addition, this alteration is predicted to be tolerated by in silico analysis. Based on the available evidence, the clinical significance of this variant remains unclear.